The following is an entry in ClinVar:

NM_178012.5(TUBB2B):c.1033A>T (p.Ile345Phe)

Gene: TUBB2B (tubulin beta 2B class IIb; minus strand). Cytogenetic location: 6p25.2.
Variant type: single nucleotide variant.
Coding change: c.1033A>T on transcript NM_178012.5 (MANE Select); coding-DNA position 1033, A replaced by T.
Protein change: p.Ile345Phe; replaces isoleucine 345 with phenylalanine.
Molecular consequence: missense variant.
Genome position (GRCh38, 1-based): chr6:3,225,056, T>A on the plus strand (A>T on the coding strand, the complement: TUBB2B is on the minus strand). VCF-style: chr6-3225056-T-A. GRCh37 (hg19) VCF-style: chr6-3225290-T-A.
Other names: short protein forms I345F.
Identifiers: ClinVar variation 4740968 (VCV004740968.1).

ClinVar aggregate classification (germline): Pathogenic (1 of 4 stars; one submission).

Submission:

Labcorp Genetics (formerly Invitae), Labcorp
Classification: Pathogenic. Last evaluated: 2025-03-19. Review status: criteria provided, single submitter. Criteria: Invitae Variant Classification Sherloc (09022015). Collection method: clinical testing. Allele origin: germline.
Comment: This sequence change replaces isoleucine, which is neutral and non-polar, with phenylalanine, which is neutral and non-polar, at codon 345 of the TUBB2B protein (p.Ile345Phe). This variant is not present in population databases (gnomAD no frequency). This missense change has been observed in individual(s) with clinical features of tubulinopathy (internal data). In at least one individual the variant was observed to be de novo. Invitae Evidence Modeling of protein sequence and biophysical properties (such as structural, functional, and spatial information, amino acid conservation, physicochemical variation, residue mobility, and thermodynamic stability) indicates that this missense variant is expected to disrupt TUBB2B protein function with a positive predictive value of 80%. For these reasons, this variant has been classified as Pathogenic.